The following is an entry in ClinVar:

NM_198578.4(LRRK2):c.3823G>A (p.Val1275Ile)

Gene: LRRK2 (leucine rich repeat kinase 2; plus strand). Cytogenetic location: 12q12.
Variant type: single nucleotide variant.
Coding change: c.3823G>A on transcript NM_198578.4 (MANE Select); coding-DNA position 3823, G replaced by A.
Protein change: p.Val1275Ile; replaces valine 1275 with isoleucine.
Molecular consequence: missense variant.
Genome position (GRCh38, 1-based): chr12:40,305,830, G>A. VCF-style: chr12-40305830-G-A. GRCh37 (hg19) VCF-style: chr12-40699632-G-A.
Other names: short protein forms V1275I.
Identifiers: ClinVar variation 1374404 (VCV001374404.9), dbSNP rs2136794000, ClinGen allele CA384417120.

ClinVar aggregate classification (germline): Uncertain significance. Review status: criteria provided, multiple submitters, no conflicts (2 of 4 stars). 2 submissions from 2 submitters: Uncertain significance (2). Last evaluated 2024-10-17.

Conditions:
Inborn genetic diseases. Identifiers: MedGen C0950123, MeSH D030342.
Autosomal dominant Parkinson disease 8. Also called: LRRK2-Related Parkinson Disease; Parkinson disease 8; Parkinson disease 8, susceptibility to. Identifiers: Orphanet 411602, MedGen C1846862, MONDO:0011764, OMIM 607060.

Allele frequency attached by ClinVar (database versions not stated): gnomAD exomes below 0.00001.
gnomAD v4.1: 5 of 1,613,624 alleles (0.00031%); highest among the groups gnomAD compares: East Asian, 0.011%; no homozygotes.

Submissions (2):

Ambry Genetics
Classification: Uncertain significance for Inborn genetic diseases. Last evaluated: 2024-10-17. Review status: criteria provided, single submitter. Criteria: Ambry Variant Classification Scheme 2023. Collection method: clinical testing. Allele origin: germline.
Comment: The p.V1275I variant (also known as c.3823G>A), located in coding exon 28 of the LRRK2 gene, results from a G to A substitution at nucleotide position 3823. The valine at codon 1275 is replaced by isoleucine, an amino acid with highly similar properties. This amino acid position is conserved. In addition, this alteration is predicted to be tolerated by in silico analysis. Since supporting evidence is limited at this time, the clinical significance of this alteration remains unclear.

Labcorp Genetics (formerly Invitae), Labcorp
Classification: Uncertain significance for Autosomal dominant Parkinson disease 8. Last evaluated: 2022-07-19. Review status: criteria provided, single submitter. Criteria: Invitae Variant Classification Sherloc (09022015). Collection method: clinical testing. Allele origin: germline.
Comment: In summary, the available evidence is currently insufficient to determine the role of this variant in disease. Therefore, it has been classified as a Variant of Uncertain Significance. Algorithms developed to predict the effect of missense changes on protein structure and function (SIFT, PolyPhen-2, Align-GVGD) all suggest that this variant is likely to be tolerated. ClinVar contains an entry for this variant (Variation ID: 1374404). This missense change has been observed in individual(s) with Parkinson disease (Invitae). This variant is not present in population databases (gnomAD no frequency). This sequence change replaces valine, which is neutral and non-polar, with isoleucine, which is neutral and non-polar, at codon 1275 of the LRRK2 protein (p.Val1275Ile).